The following is an entry in ClinVar:

ClinVar aggregate classification (germline): Uncertain significance (1 of 4 stars; one submission).

gnomAD v4.1: 1 of 1,613,668 alleles (0.000062%); no homozygotes.

Submission:

GeneDx
Classification: Uncertain significance. Last evaluated: 2025-08-25. Review status: criteria provided, single submitter. Criteria: GeneDx Variant Classification Process June 2021. Collection method: clinical testing. Allele origin: germline.
Comment: Not observed at significant frequency in large population cohorts (gnomAD); In silico analysis supports that this missense variant has a deleterious effect on protein structure/function; Has not been previously published as pathogenic or benign to our knowledge

NM_005273.4(GNB2):c.468A>C (p.Gln156His)

Gene: GNB2 (G protein subunit beta 2; plus strand). Cytogenetic location: 7q22.1.
Variant type: single nucleotide variant.
Coding change: c.468A>C on transcript NM_005273.4 (MANE Select); coding-DNA position 468, A replaced by C.
Protein change: p.Gln156His; replaces glutamine 156 with histidine.
Molecular consequence: missense variant.
Genome position (GRCh38, 1-based): chr7:100,677,789, A>C. VCF-style: chr7-100677789-A-C. GRCh37 (hg19) VCF-style: chr7-100275412-A-C.
Other names: short protein forms Q156H.
Identifiers: ClinVar variation 2500412 (VCV002500412.2), dbSNP rs2486198654, ClinGen allele CA368516610.